The following is an entry in ClinVar:

ClinVar aggregate classification (germline): Uncertain significance (1 of 4 stars; one submission).

Submission:

Labcorp Genetics (formerly Invitae), Labcorp
Classification: Uncertain significance. Last evaluated: 2025-10-14. Review status: criteria provided, single submitter. Criteria: Invitae Variant Classification Sherloc (09022015). Collection method: clinical testing. Allele origin: germline.
Comment: This sequence change falls in intron 13 of the WNK4 gene. It does not directly change the encoded amino acid sequence of the WNK4 protein. It affects a nucleotide within the consensus splice site. This variant is not present in population databases (gnomAD no frequency). This variant has not been reported in the literature in individuals affected with WNK4-related conditions. Variants that disrupt the consensus splice site are a relatively common cause of aberrant splicing (PMID: 17576681, 9536098). Algorithms developed to predict the effect of sequence changes on RNA splicing suggest that this variant is not likely to affect RNA splicing. In summary, the available evidence is currently insufficient to determine the role of this variant in disease. Therefore, it has been classified as a Variant of Uncertain Significance.

Literature cited by the submitters: PubMed 17576681; PubMed 9536098.

NM_032387.5(WNK4):c.2350+4T>G

Gene: WNK4 (WNK lysine deficient protein kinase 4; plus strand). Cytogenetic location: 17q21.2.
Variant type: single nucleotide variant.
Coding change: c.2350+4T>G on transcript NM_032387.5 (MANE Select); 4 bases into the intron after coding-DNA position 2350, T replaced by G.
Molecular consequence: intron variant.
Genome position (GRCh38, 1-based): chr17:42,794,672, T>G. VCF-style: chr17-42794672-T-G. GRCh37 (hg19) VCF-style: chr17-40946690-T-G.
Other names: c.1342+4T>G (NM_001321299.2).
Identifiers: ClinVar variation 4729190 (VCV004729190.1).
Genomic context (GRCh38, chr17:42,794,672, plus strand): 5'-AGGAGGAGCCAGCACCATTACCTGCCCTGCCCGTCCCCCTCCCAGACCCATCCAATGGTA[T>G]GTACTGAGTTGTGTCCTTGCTCATCCCAACCCCTGGGGTTGCTCCTGGGAAGGGCATAGG-3'